The following is an entry in ClinVar:

NM_001130009.3(GEN1):c.1858G>A (p.Ala620Thr)

Gene: GEN1 (GEN1 structure-specific endonuclease; plus strand). Cytogenetic location: 2p24.2.
Variant type: single nucleotide variant.
Coding change: c.1858G>A on transcript NM_001130009.3 (MANE Select); coding-DNA position 1858, G replaced by A.
Protein change: p.Ala620Thr; replaces alanine 620 with threonine.
Molecular consequence: missense variant.
Genome position (GRCh38, 1-based): chr2:17,781,070, G>A. VCF-style: chr2-17781070-G-A. GRCh37 (hg19) VCF-style: chr2-17962337-G-A.
Other names: c.1858G>A, p.Ala620Thr (NM_182625.5); short protein forms A620T.
Identifiers: ClinVar variation 4671452 (VCV004671452.1).
Genomic context (GRCh38, chr2:17,781,070, plus strand): 5'-GCTATTCAAAGGAATACTTTTTCTCATGATTTAAAATCAGAAGTTGAATCAGAGCTATCA[G>A]CCATCCCTGATGGCTTTGAAAATATCCCAGAACAACTGTCCTGTGAATCAGAAAGGTACA-3'
Protein context (NP_001123481.3, residues 610-630): LKSEVESELS[Ala620Thr]IPDGFENIPE

ClinVar aggregate classification (germline): Uncertain significance (1 of 4 stars; one submission).

gnomAD v4.1: 1 of 1,613,814 alleles (0.000062%); highest among the groups gnomAD compares: African/African-American, 0.0013%; no homozygotes.

Submission:

Ambry Genetics
Classification: Uncertain significance. Last evaluated: 2025-09-28. Review status: criteria provided, single submitter. Criteria: Ambry Variant Classification Scheme 2023. Collection method: clinical testing. Allele origin: germline.
Comment: The p.A620T variant (also known as c.1858G>A), located in coding exon 13 of the GEN1 gene, results from a G to A substitution at nucleotide position 1858. The alanine at codon 620 is replaced by threonine, an amino acid with similar properties. This amino acid position is conserved. In addition, this alteration is predicted to be tolerated by in silico analysis. Based on the available evidence, the clinical significance of this variant remains unclear.